The following is an entry in ClinVar:

ClinVar aggregate classification (germline): Uncertain significance (1 of 4 stars; one submission).

Allele frequency attached by ClinVar (database versions not stated): gnomAD exomes 0.00001; TOPMed 0.00001; gnomAD 0.00001.
gnomAD v4.1: 5 of 1,548,356 alleles (0.00032%); highest among the groups gnomAD compares: Middle Eastern, 0.017%; no homozygotes.

Submission:

GeneDx
Classification: Uncertain significance. Last evaluated: 2023-09-11. Review status: criteria provided, single submitter. Criteria: GeneDx Variant Classification Process June 2021. Collection method: clinical testing. Allele origin: germline. Affected: yes.
Comment: Not observed at significant frequency in large population cohorts (gnomAD); In silico analysis supports that this missense variant has a deleterious effect on protein structure/function; Has not been previously published as pathogenic or benign to our knowledge

NM_001292063.2(OTOG):c.3668C>T (p.Thr1223Ile)

Gene: OTOG (otogelin; plus strand). Cytogenetic location: 11p15.1.
Variant type: single nucleotide variant.
Coding change: c.3668C>T on transcript NM_001292063.2 (MANE Select); coding-DNA position 3668, C replaced by T.
Protein change: p.Thr1223Ile; replaces threonine 1223 with isoleucine.
Molecular consequence: missense variant.
Genome position (GRCh38, 1-based): chr11:17,596,993, C>T. VCF-style: chr11-17596993-C-T. GRCh37 (hg19) VCF-style: chr11-17618540-C-T.
Other names: c.3704C>T, p.Thr1235Ile (NM_001277269.2); short protein forms T1235I, T1223I.
Identifiers: ClinVar variation 424404 (VCV000424404.4), dbSNP rs938096068, ClinGen allele CA16619297.
Genomic context (GRCh38, chr11:17,596,993, plus strand): 5'-CCAGCGTCTCCGCTTATGCCCACCAGTGTTGCCAGCATGGGGTGGCTGTTGACTGGCGAA[C>T]CCCCCGCCTCTGCCGTGAGTGTCCCAGACAATCACCTGAGGGGACAGAGTAGAGTGTCAC-3'
Protein context (NP_001278992.1, residues 1213-1233): CQHGVAVDWR[Thr1223Ile]PRLCPYDCDF